The following is an entry in ClinVar:

ClinVar aggregate classification (germline): Uncertain significance (1 of 4 stars; one submission).

Conditions:
MC4R-related disorder. Also called: MC4R-related condition.

gnomAD v4.1: 5 of 1,614,184 alleles (0.00031%); highest among the groups gnomAD compares: African/African-American, 0.0027%; no homozygotes.

Submission:

PreventionGenetics, part of Exact Sciences
Classification: Uncertain significance for MC4R-related condition. Last evaluated: 2024-10-03. Review status: criteria provided, single submitter. Criteria: ACMG Guidelines, 2015. Collection method: clinical testing. Allele origin: germline.
Comment: The MC4R c.203C>T variant is predicted to result in the amino acid substitution p.Ala68Val. This variant has been reported in an exome association study for obese BMI (Kaisinger et al. 2023. PubMed ID: 37601970). Multiple different missense changes at the adjacent amino acid have been reported as causative (p.Ile69Thr, p.Ile69Arg, p.Ile69Met; Tan et al. 2009. PubMed ID: 18801902; Wangensteen et al. 2009. PubMed ID: 19301229; Lubrano-Berthelier et al. 2003. PubMed ID: 12851297) The p.Ala68Val variant is reported in 0.00088% of alleles in individuals of European (Non-Finnish) descent in gnomAD. At this time, the clinical significance of this variant is uncertain due to the absence of conclusive functional and genetic evidence.

NM_005912.3(MC4R):c.203C>T (p.Ala68Val)

Gene: MC4R (melanocortin 4 receptor; minus strand). Cytogenetic location: 18q21.32.
Variant type: single nucleotide variant.
Coding change: c.203C>T on transcript NM_005912.3 (MANE Select); coding-DNA position 203, C replaced by T.
Protein change: p.Ala68Val; replaces alanine 68 with valine.
Molecular consequence: missense variant.
Genome position (GRCh38, 1-based): chr18:60,372,147, G>A on the plus strand (C>T on the coding strand, the complement: MC4R is on the minus strand). VCF-style: chr18-60372147-G-A. GRCh37 (hg19) VCF-style: chr18-58039380-G-A.
Other names: short protein forms A68V.
Identifiers: ClinVar variation 3348422 (VCV003348422.2).